The following is an entry in ClinVar:

NM_001083962.2(TCF4):c.1303T>A (p.Ser435Thr)

Gene: TCF4 (transcription factor 4; minus strand). Cytogenetic location: 18q21.2.
Variant type: single nucleotide variant.
Coding change: c.1303T>A on transcript NM_001083962.2 (MANE Select); coding-DNA position 1303, T replaced by A.
Protein change: p.Ser435Thr; replaces serine 435 with threonine.
Molecular consequence: missense variant.
Genome position (GRCh38, 1-based): chr18:55,254,544, A>T on the plus strand (T>A on the coding strand, the complement: TCF4 is on the minus strand). VCF-style: chr18-55254544-A-T. GRCh37 (hg19) VCF-style: chr18-52921775-A-T.
Other names: c.1231T>A, p.Ser411Thr (NM_001306207.1, NM_001369575.1, NM_001243227.2 and 5 more transcripts); c.1090T>A, p.Ser364Thr (NM_001306208.1, NM_001243232.1); c.1300T>A, p.Ser434Thr (NM_001330604.3, NM_001369570.1, NM_001369573.1 and 2 more transcripts); c.913T>A, p.Ser305Thr (NM_001330605.3, NM_001348212.2, NM_001348213.2 and 1 more transcripts); c.1177T>A, p.Ser393Thr (NM_001348211.2, NM_001243231.2); c.820T>A, p.Ser274Thr (NM_001348214.2); c.1303T>A, p.Ser435Thr (NM_001369571.1, NM_001369572.1, NM_001369567.1 and 2 more transcripts); c.1228T>A, p.Ser410Thr (NM_001369576.1, NM_001369577.1, NM_001369578.1 and 6 more transcripts); and 6 more; short protein forms S219T, S274T, S275T, S305T, S364T, S393T, S410T, S411T.
Identifiers: ClinVar variation 1722135 (VCV001722135.5), dbSNP rs1204988086, ClinGen allele CA402533322.

ClinVar aggregate classification (germline): Uncertain significance (1 of 4 stars; one submission).

Conditions:
Pitt-Hopkins syndrome (PTHS). Also called: ENCEPHALOPATHY, SEVERE EPILEPTIC, WITH AUTONOMIC DYSFUNCTION; MENTAL RETARDATION, SYNDROMAL, WITH INTERMITTENT HYPERVENTILATION. Identifiers: Orphanet 2896, MedGen C1970431, MONDO:0012589, OMIM 610954.

Allele frequency attached by ClinVar (database versions not stated): TOPMed below 0.00001; gnomAD 0.00001.
gnomAD v4.1: 1 of 1,613,706 alleles (0.000062%); highest among the groups gnomAD compares: African/African-American, 0.0013%; no homozygotes.

Submission:

Labcorp Genetics (formerly Invitae), Labcorp
Classification: Uncertain significance for Pitt-Hopkins syndrome. Last evaluated: 2022-10-25. Review status: criteria provided, single submitter. Criteria: Invitae Variant Classification Sherloc (09022015). Collection method: clinical testing. Allele origin: germline.
Comment: This sequence change replaces serine, which is neutral and polar, with threonine, which is neutral and polar, at codon 435 of the TCF4 protein (p.Ser435Thr). This variant is not present in population databases (gnomAD no frequency). This variant has not been reported in the literature in individuals affected with TCF4-related conditions. Advanced modeling of protein sequence and biophysical properties (such as structural, functional, and spatial information, amino acid conservation, physicochemical variation, residue mobility, and thermodynamic stability) performed at Invitae indicates that this missense variant is not expected to disrupt TCF4 protein function. In summary, the available evidence is currently insufficient to determine the role of this variant in disease. Therefore, it has been classified as a Variant of Uncertain Significance.